The following is an entry in ClinVar:

ClinVar aggregate classification (germline): Pathogenic. Review status: criteria provided, multiple submitters, no conflicts (2 of 4 stars). 6 submissions from 6 submitters: Pathogenic (6). Last evaluated 2025-10-08.

Conditions:
Chuvash polycythemia. Also called: POLYCYTHEMIA, VHL-DEPENDENT. Identifiers: Orphanet 238557, MedGen C1837915, MONDO:0009892, OMIM 263400.
Von Hippel-Lindau syndrome (VHLS). Also called: von Hippel–Lindau syndrome; VHL syndrome; Von Hippel-Lindau. Identifiers: Orphanet 892, MedGen C0019562, MONDO:0008667, OMIM 193300. Disease mechanism: loss of function.
Hereditary cancer-predisposing syndrome. Also called: Hereditary Cancer Syndrome; Neoplastic Syndromes, Hereditary; Tumor predisposition; Hereditary neoplastic syndrome. Identifiers: Orphanet 140162, MedGen C0027672, MeSH D009386, MONDO:0015356.

Allele frequency attached by ClinVar (database versions not stated): gnomAD 0.00001.
gnomAD v4.1: 1 of 1,603,910 alleles (0.000062%); highest among the groups gnomAD compares: Admixed American, 0.0017%; no homozygotes.

Submissions (6):

Ambry Genetics
Classification: Pathogenic for Hereditary cancer-predisposing syndrome. Last evaluated: 2025-10-08. Review status: criteria provided, single submitter. Criteria: Ambry Variant Classification Scheme 2023. Collection method: clinical testing. Allele origin: germline.
Comment: The p.V84L pathogenic mutation (also known as c.250G>C), located in coding exon 1 of the VHL gene, results from a G to C substitution at nucleotide position 250. The valine at codon 84 is replaced by leucine, an amino acid with highly similar properties. This variant has been reported in apparent de novo transmission in one individual with pheochromocytoma, out of a cohort of 426 unrelated individuals presenting with clinical suspicion for VHL (Leonardi E et al. Ann. Hum. Genet. 2011 Jul; 75(4):483-96). Additionally, a well described mutation at the same position (c.250G>T), also resulting in the valine at codon 84 being replaced by leucine, has been identified in a number of families with early-onset pheochromocytomas (VHL type 2C) (Crossey PA et al. J. Med. Genet.1995 Nov; 32(11):885-6; Abbott MA et al. Am. J. Med. Genet. A 2006 Apr; 140(7):685-90). This amino acid position is well conserved in available vertebrate species. In addition, this alteration is predicted to be deleterious by in silico analysis. This variant is considered to be rare based on population cohorts in the Genome Aggregation Database (gnomAD). Based on the supporting evidence, this variant is interpreted as a disease-causing mutation.

Institute for Genomic Medicine (IGM) Clinical Laboratory, Nationwide Children's Hospital
Classification: Pathogenic for Von Hippel-Lindau syndrome. Last evaluated: 2024-10-17. Review status: criteria provided, single submitter. Criteria: ACMG Guidelines, 2015. Collection method: clinical testing. Allele origin: germline.
Comment: A different nucleotide change resulting in the same amino acid substitution has been reported as pathogenic (ACMG/AMP: PS1). This variant has been reported to occur de novo in an affected individual in the literature with parental identity confirmed (ACMG/AMP: PS2; PMID:21463266). This variant has been reported at an elevated frequency in affected individuals/in multiple affected individuals in the literature (ACMG/AMP: PS4_Supporting; PMID:21463266). This variant is absent from or present at an exceedingly low frequency in gnomAD, a large-scale control population database (ACMG/AMP: PM2).

Labcorp Genetics (formerly Invitae), Labcorp
Classification: Pathogenic for Von Hippel-Lindau syndrome; Chuvash polycythemia. Last evaluated: 2024-04-22. Review status: criteria provided, single submitter. Criteria: Invitae Variant Classification Sherloc (09022015). Collection method: clinical testing. Allele origin: germline.
Comment: This sequence change replaces valine, which is neutral and non-polar, with leucine, which is neutral and non-polar, at codon 84 of the VHL protein (p.Val84Leu). This variant is not present in population databases (gnomAD no frequency). This missense change has been observed in individual(s) with von Hippel-Lindau syndrome (PMID: 8592333, 11409863, 16502427, 19215943, 19270817, 25078357). In at least one individual the variant was observed to be de novo. ClinVar contains an entry for this variant (Variation ID: 229860). Advanced modeling of protein sequence and biophysical properties (such as structural, functional, and spatial information, amino acid conservation, physicochemical variation, residue mobility, and thermodynamic stability) performed at Invitae indicates that this missense variant is expected to disrupt VHL protein function with a positive predictive value of 95%. Experimental studies are conflicting or provide insufficient evidence to determine the effect of this variant on VHL function (PMID: 11331612, 11331613, 12510195, 19228690, 19602254, 21791076). For these reasons, this variant has been classified as Pathogenic.

Genomic Diagnostic Laboratory, Division of Genomic Diagnostics, Children's Hospital of Philadelphia
Classification: Pathogenic for von Hippel-Lindau syndrome. Last evaluated: 2018-08-01. Review status: criteria provided, single submitter. Criteria: DGD Variant Analysis Guidelines. Collection method: clinical testing. Allele origin: germline. Affected: yes. Observed: 3 variant alleles.

Women's Health and Genetics/Laboratory Corporation of America, LabCorp
Classification: Pathogenic for Von Hippel-Lindau syndrome. Last evaluated: 2016-01-29. Review status: criteria provided, single submitter. Criteria: LabCorp Variant Classification Summary - May 2015. Collection method: clinical testing. Allele origin: germline.
Comment: Variant summary: This c.250G>C variant affects a conserved nucleotide, resulting in amino acid change from Val to Leu in beta domain of VHL protein. 2/4 in-silico tools predict this variant to be damaging. This variant was not found in approximately 99326 chromosomes from ExAC. This variant has been reported in one VHL patient as a de novo occurrence (Leonardi_2011) and in other two VHL patients as somatic occurrence (Burnichon_2011, Pena-Llopis_2013). Another nucleotide change c.250G>T leading to the same amino acid change is a known pathogenic variant, strongly supporting that this nucleotide change is also pathogenic. Functional studies show that p.V84L mutant impairs in forming stable pVHL-ElonginC-ElonginB (VCB) complexes which is implicated in the disease (Knauth_2009). Taken together, this variant has been classified as a Pathogenic.

Juno Genomics, Hangzhou Juno Genomics, Inc
Classification: Pathogenic for Von Hippel-Lindau syndrome. Review status: criteria provided, single submitter. Criteria: ACMG Guidelines, 2015. Collection method: clinical testing. Allele origin: germline. Affected: yes.
Comment: Absent from controls (or at extremely low frequency if recessive) in Genome Aggregation Database, Exome Sequencing Project, 1000 Genomes Project, or Exome Aggregation Consortium.;Same amino acid change as a previously established pathogenic variant regardless of nucleotide change.;The prevalence of the variant in affected individuals is significantly increased compared to the prevalence in controls.;Assumed de novo, but without confirmation of paternity and maternity.;Well-established in vitro or in vivo functional studies supportive of a damaging effect on the gene or gene product.;Patient's phenotype or family history is highly specific for a disease with a single genetic etiology.

Literature cited by the submitters: PubMed 16502427 (cited by Ambry Genetics and Labcorp Genetics (formerly Invitae), Labcorp); PubMed 21463266 (cited by Ambry Genetics and Institute for Genomic Medicine (IGM) Clinical Laboratory, Nationwide Children's Hospital); PubMed 8592333 (cited by Ambry Genetics and Labcorp Genetics (formerly Invitae), Labcorp); PubMed 11409863 (cited by Labcorp Genetics (formerly Invitae), Labcorp); PubMed 19215943 (cited by Labcorp Genetics (formerly Invitae), Labcorp); PubMed 19270817 (cited by Labcorp Genetics (formerly Invitae), Labcorp); PubMed 25078357 (cited by Labcorp Genetics (formerly Invitae), Labcorp); PubMed 11331612 (cited by Labcorp Genetics (formerly Invitae), Labcorp and Women's Health and Genetics/Laboratory Corporation of America, LabCorp); PubMed 11331613 (cited by Labcorp Genetics (formerly Invitae), Labcorp); PubMed 12510195 (cited by Labcorp Genetics (formerly Invitae), Labcorp); PubMed 19228690 (cited by Labcorp Genetics (formerly Invitae), Labcorp and Women's Health and Genetics/Laboratory Corporation of America, LabCorp); PubMed 19602254 (cited by Labcorp Genetics (formerly Invitae), Labcorp and Women's Health and Genetics/Laboratory Corporation of America, LabCorp); PubMed 21791076 (cited by Labcorp Genetics (formerly Invitae), Labcorp); PubMed 21784903 (cited by Women's Health and Genetics/Laboratory Corporation of America, LabCorp); PubMed 22683710 (cited by Women's Health and Genetics/Laboratory Corporation of America, LabCorp).

NM_000551.4(VHL):c.250G>C (p.Val84Leu)

Gene: VHL (von Hippel-Lindau tumor suppressor; plus strand). Cytogenetic location: 3p25.3.
Variant type: single nucleotide variant.
Coding change: c.250G>C on transcript NM_000551.4 (MANE Select); coding-DNA position 250, G replaced by C.
Protein change: p.Val84Leu; replaces valine 84 with leucine.
Molecular consequence: missense variant.
Genome position (GRCh38, 1-based): chr3:10,142,097, G>C. VCF-style: chr3-10142097-G-C. GRCh37 (hg19) VCF-style: chr3-10183781-G-C.
Other names: c.250G>C, p.Val84Leu (NM_001354723.2, NM_198156.3); short protein forms V84L.
Identifiers: ClinVar variation 229860 (VCV000229860.19), dbSNP rs5030827, ClinGen allele CA10578180.